The following is an entry in ClinVar:

NM_000284.4(PDHA1):c.759+26GGCCAA[4]

Gene: PDHA1 (pyruvate dehydrogenase E1 subunit alpha 1; plus strand). Cytogenetic location: Xp22.12.
Variant type: Microsatellite.
Coding change: c.759+26GGCCAA[4] on transcript NM_000284.4 (MANE Select); four copies in a row of the 6-base unit GGCCAA starting at c.759+26.
Molecular consequence: intron variant.
Genome position: GRCh38 VCF-style: chrX-19355529-G-GGGCCAA. GRCh37 (hg19) VCF-style: chrX-19373647-G-GGGCCAA.
Other names: p.?; c.873+26GGCCAA[4] (NM_001173454.2); c.780+26GGCCAA[4] (NM_001173455.2); c.666+26GGCCAA[4] (NM_001173456.2); c.759+40_759+45dup (NM_000284.4).
Identifiers: ClinVar variation 419233 (VCV000419233.12), dbSNP rs11278403, ClinGen allele CA10363092.

ClinVar aggregate classification (germline): Benign/Likely benign. Review status: criteria provided, multiple submitters, no conflicts (2 of 4 stars). 4 submissions from 3 submitters: Benign (2); Likely benign (1). 1 of the submissions does not count toward it. Last evaluated 2026-01-26.

Conditions:
Pyruvate dehydrogenase E1-alpha deficiency (PDHAD). Also called: ATAXIA, INTERMITTENT, WITH PYRUVATE DEHYDROGENASE DEFICIENCY; ATAXIA WITH LACTIC ACIDOSIS I; ATAXIA, INTERMITTENT, WITH ABNORMAL PYRUVATE METABOLISM; Ataxia, intermittent, with pyruvate dehydrogenase, or decarboxylase, deficiency. Identifiers: Orphanet 79243, MedGen C1839413, MONDO:0010717, OMIM 312170.

Submissions (4):

Labcorp Genetics (formerly Invitae), Labcorp
Classification: Benign for Pyruvate dehydrogenase E1-alpha deficiency. Last evaluated: 2026-01-26. Review status: criteria provided, single submitter. Criteria: Invitae Variant Classification Sherloc (09022015). Collection method: clinical testing. Allele origin: germline.

Mayo Clinic Laboratories, Mayo Clinic
Classification: Benign. Last evaluated: 2024-03-12. Review status: criteria provided, single submitter. Criteria: ACMG Guidelines, 2015. Collection method: clinical testing. Allele origin: germline. Observed: 15 variant alleles.
Comment: BS1, BS2, BP4, BP7

GeneDx
Classification: Likely benign. Last evaluated: 2019-09-09. Review status: criteria provided, single submitter. Criteria: GeneDx Variant Classification Process June 2021. Collection method: clinical testing. Allele origin: germline. Affected: yes.

GeneDx
Classification: Likely benign. Last evaluated: 2016-03-01. Review status: flagged submission. Criteria: GeneDx Variant Classification (06012015). Collection method: clinical testing. Allele origin: germline. Affected: yes. Not counted in ClinVar's aggregate classification.
Comment: This variant is considered likely benign or benign based on one or more of the following criteria: it is a conservative change, it occurs at a poorly conserved position in the protein, it is predicted to be benign by multiple in silico algorithms, and/or has population frequency not consistent with disease.
ClinVar note: Reason: This record appears to be redundant with a more recent record from the same submitter.
ClinVar note: Notes: SCV000566905 appears to be redundant with SCV001767874.

Literature cited by the submitters: PubMed 20002461 (cited by Mayo Clinic Laboratories, Mayo Clinic).